The following is an entry in ClinVar:

NM_024741.3(ZNF408):c.38A>G (p.Lys13Arg)

Genes: ZNF408 (zinc finger protein 408; plus strand), LOC130005659 (ATAC-STARR-seq lymphoblastoid active region 4684; plus strand). Cytogenetic location: 11p11.2.
Variant type: single nucleotide variant.
Coding change: c.38A>G on transcript NM_024741.3 (MANE Select); coding-DNA position 38, A replaced by G.
Protein change: p.Lys13Arg; replaces lysine 13 with arginine.
Molecular consequence: missense variant. On other transcripts: 5 prime UTR variant (1).
Genome position (GRCh38, 1-based): chr11:46,701,085, A>G. VCF-style: chr11-46701085-A-G. GRCh37 (hg19) VCF-style: chr11-46722635-A-G.
Other names: c.-29A>G (NM_001184751.2); short protein forms K13R.
Identifiers: ClinVar variation 3631389 (VCV003631389.2).

ClinVar aggregate classification (germline): Uncertain significance (1 of 4 stars; one submission).

Submission:

Labcorp Genetics (formerly Invitae), Labcorp
Classification: Uncertain significance. Last evaluated: 2025-01-12. Review status: criteria provided, single submitter. Criteria: Invitae Variant Classification Sherloc (09022015). Collection method: clinical testing. Allele origin: germline.
Comment: This sequence change replaces lysine, which is basic and polar, with arginine, which is basic and polar, at codon 13 of the ZNF408 protein (p.Lys13Arg). This variant is not present in population databases (gnomAD no frequency). This variant has not been reported in the literature in individuals affected with ZNF408-related conditions. Experimental studies and prediction algorithms are not available or were not evaluated, and the functional significance of this variant is currently unknown. In summary, the available evidence is currently insufficient to determine the role of this variant in disease. Therefore, it has been classified as a Variant of Uncertain Significance.